The following is an entry in ClinVar:

ClinVar aggregate classification (germline): Uncertain significance. Review status: criteria provided, multiple submitters, no conflicts (2 of 4 stars). 2 submissions from 2 submitters: Uncertain significance (2). Last evaluated 2023-02-27.

Conditions:
Lewy body dementia (DLB). Also called: Lewy Body Disease. Identifiers: MedGen C0752347, MONDO:0007488, OMIM 127750.
Gaucher disease perinatal lethal. Also called: Gaucher disease collodion type; Gaucher Disease, Perinatal-Lethal Form. Identifiers: Orphanet 85212, MedGen C1842704, MONDO:0011945, OMIM 608013.
Gaucher disease type I (GD1). Also called: GAUCHER DISEASE, NONCEREBRAL JUVENILE; GBA DEFICIENCY; GD I; GLUCOCEREBROSIDASE DEFICIENCY; Gaucher's disease, type 1; GD 1. Identifiers: Orphanet 355, Orphanet 77259, MedGen C1961835, MONDO:0009265, OMIM 230800.
Gaucher disease type II (GD2). Also called: GAUCHER DISEASE, ACUTE NEURONOPATHIC TYPE; GD II; Type 2 Gaucher disease (Acute; Infantile); Acute neuronopathic Gaucher's disease. Identifiers: Orphanet 77260, MedGen C0268250, MONDO:0009266, OMIM 230900.
Gaucher disease type III. Also called: GAUCHER DISEASE, CHRONIC NEURONOPATHIC TYPE; GAUCHER DISEASE, JUVENILE AND ADULT, CEREBRAL; GAUCHER DISEASE, SUBACUTE NEURONOPATHIC TYPE; GD III; Type 3 Gaucher disease (Subacute; Juvenile); Gaucher Disease, Type 3. Identifiers: Orphanet 355, Orphanet 77261, MedGen C0268251, MONDO:0009267, OMIM 231000.
Gaucher disease-ophthalmoplegia-cardiovascular calcification syndrome. Also called: GAUCHER DISEASE, TYPE IIIC. Identifiers: Orphanet 2072, MedGen C1856476, MONDO:0009268, OMIM 231005.
Parkinson disease, late-onset (PD). Also called: PARKINSON DISEASE, LATE-ONSET, SUSCEPTIBILITY TO; Susceptibility to Parkinson's Disease; Hereditary late onset Parkinson disease. Identifiers: Orphanet 411602, MedGen C3160718, MONDO:0008199, OMIM 168600.

Submissions (2):

GeneDx
Classification: Uncertain significance. Last evaluated: 2023-02-27. Review status: criteria provided, single submitter. Criteria: GeneDx Variant Classification Process June 2021. Collection method: clinical testing. Allele origin: germline. Affected: yes.
Comment: Not observed in large population cohorts (gnomAD); In silico analysis, which includes protein predictors and evolutionary conservation, supports that this variant does not alter protein structure/function; Has not been previously published as pathogenic or benign to our knowledge

Fulgent Genetics
Classification: Uncertain significance for Lewy body dementia; Parkinson disease, late-onset; Gaucher disease type I; Gaucher disease type II; Gaucher disease type III; Gaucher disease-ophthalmoplegia-cardiovascular calcification syndrome; Gaucher disease perinatal lethal. Last evaluated: 2022-01-17. Review status: criteria provided, single submitter. Criteria: ACMG Guidelines, 2015. Collection method: clinical testing. Allele origin: unknown.

NM_000157.4(GBA1):c.10T>C (p.Ser4Pro)

Gene: GBA1 (glucosylceramidase beta 1; minus strand). Cytogenetic location: 1q22.
Variant type: single nucleotide variant.
Coding change: c.10T>C on transcript NM_000157.4 (MANE Select); coding-DNA position 10, T replaced by C.
Protein change: p.Ser4Pro; replaces serine 4 with proline.
Molecular consequence: missense variant. On other transcripts: intron variant (1).
Genome position (GRCh38, 1-based): chr1:155,241,103, A>G on the plus strand (T>C on the coding strand, the complement: GBA1 is on the minus strand). VCF-style: chr1-155241103-A-G. GRCh37 (hg19) VCF-style: chr1-155210894-A-G.
Other names: c.10T>C, p.Ser4Pro (NM_001005741.3, NM_001005742.3, NM_001171812.2); c.-146-1026T>C (NM_001171811.2); short protein forms S4P.
Identifiers: ClinVar variation 1311272 (VCV001311272.3), dbSNP rs2148083300, ClinGen allele CA342730989.